The following is an entry in ClinVar:

ClinVar aggregate classification (germline): Conflicting classifications of pathogenicity. Review status: criteria provided, conflicting classifications (1 of 4 stars). 2 submissions from 2 submitters: Likely pathogenic (1); Uncertain significance (1). Last evaluated 2025-09-05.

Conditions:
Hypertrophic cardiomyopathy. Also called: HYPERTROPHIC MYOCARDIOPATHY. Identifiers: Orphanet 217569, MedGen C0007194, MeSH D002312, MONDO:0005045, HP:0001639.

Allele frequency attached by ClinVar (database versions not stated): TOPMed below 0.00001; gnomAD 0.00001.

Submissions (2):

Labcorp Genetics (formerly Invitae), Labcorp
Classification: Likely pathogenic for Hypertrophic cardiomyopathy. Last evaluated: 2025-09-05. Review status: criteria provided, single submitter. Criteria: Invitae Variant Classification Sherloc (09022015). Collection method: clinical testing. Allele origin: germline.
Comment: This sequence change replaces serine, which is neutral and polar, with phenylalanine, which is neutral and non-polar, at codon 1550 of the MYH7 protein (p.Ser1550Phe). This variant is not present in population databases (gnomAD no frequency). This missense change has been observed in individual(s) with clinical features of dilated cardiomyopathy (internal data). ClinVar contains an entry for this variant (Variation ID: 181391). Invitae Evidence Modeling of protein sequence and biophysical properties (such as structural, functional, and spatial information, amino acid conservation, physicochemical variation, residue mobility, and thermodynamic stability) indicates that this missense variant is expected to disrupt MYH7 protein function with a positive predictive value of 95%. This variant disrupts the p.Ser1550 amino acid residue in MYH7. Other variant(s) that disrupt this residue have been determined to be pathogenic (internal data). This suggests that this residue is clinically significant, and that variants that disrupt this residue are likely to be disease-causing. In summary, the currently available evidence indicates that the variant is pathogenic, but additional data are needed to prove that conclusively. Therefore, this variant has been classified as Likely Pathogenic.

GeneDx
Classification: Uncertain significance. Last evaluated: 2017-11-29. Review status: criteria provided, single submitter. Criteria: GeneDx Variant Classification (06012015). Collection method: clinical testing. Allele origin: germline. Affected: yes.
Comment: The S1550F variant has not been published as pathogenic or been reported as benign to our knowledge. The S1550F variant is not observed in large population cohorts (Lek et al., 2016). The S1550F variant is a non-conservative amino acid substitution, which is likely to impact secondary protein structure as these residues differ in polarity, charge, size and/or other properties. In-silico analyses, including protein predictors and evolutionary conservation, support a deleterious effect. Nevertheless, this variant has not been identified in a significant number of affected individuals, and there are no functional studies or segregation data available to clarify the role of this variant in disease. Therefore, based on the currently available information, it is unclear whether this variant is pathogenic or rare benign.

NM_000257.4(MYH7):c.4649C>T (p.Ser1550Phe)

Genes: MHRT (myosin heavy chain associated RNA transcript; plus strand), MYH7 (myosin heavy chain 7; minus strand), LOC126861897 (BRD4-independent group 4 enhancer GRCh37_chr14:23884455-23885654; plus strand). Cytogenetic location: 14q11.2.
Variant type: single nucleotide variant.
Coding change: c.4649C>T on transcript NM_000257.4 (MANE Select); coding-DNA position 4649, C replaced by T.
Protein change: p.Ser1550Phe; replaces serine 1550 with phenylalanine.
Molecular consequence: missense variant.
Genome position (GRCh38, 1-based): chr14:23,416,308, G>A on the plus strand (C>T on the coding strand, the complement: MYH7 is on the minus strand). VCF-style: chr14-23416308-G-A. GRCh37 (hg19) VCF-style: chr14-23885517-G-A.
Other names: p.S1550F:TCC>TTC; c.4649C>T (LRG_384t1); short protein forms S1550F.
Identifiers: ClinVar variation 181391 (VCV000181391.12), dbSNP rs730880912, ClinGen allele CA015196.
Genomic context (GRCh38, chr14:23,416,308, plus strand): 5'-GCCTTGATCTGGTTGAACTCCAGCTGGGCCCGGAGGATCTTGCCCTCCTCGTGCTCCAGG[G>A]AGGCCTGGGAAGGGGTTGGGGGAGGGGATGCAGGCAGACAGTCAGGGCACAGGGCAGGGT-3'
Protein context (NP_000248.2, residues 1540-1560): LQSALEEAEA[Ser1550Phe]LEHEEGKILR